The following is an entry in ClinVar:

ClinVar aggregate classification (germline): Pathogenic (1 of 4 stars; one submission).

Submission:

Labcorp Genetics (formerly Invitae), Labcorp
Classification: Pathogenic. Last evaluated: 2022-08-16. Review status: criteria provided, single submitter. Criteria: Invitae Variant Classification Sherloc (09022015). Collection method: clinical testing. Allele origin: germline.
Comment: This sequence change creates a premature translational stop signal (p.Asn627Argfs*21) in the GGCX gene. It is expected to result in an absent or disrupted protein product. Loss-of-function variants in GGCX are known to be pathogenic (PMID: 17110937, 17327402, 24520408). For these reasons, this variant has been classified as Pathogenic. This variant has not been reported in the literature in individuals affected with GGCX-related conditions. This variant is not present in population databases (gnomAD no frequency).

Literature cited by the submitters: PubMed 17110937; PubMed 17327402; PubMed 24520408.

NM_000821.7(GGCX):c.1878_1879dup (p.Asn627fs)

Gene: GGCX (gamma-glutamyl carboxylase; minus strand). Cytogenetic location: 2p11.2.
Variant type: Microsatellite.
Coding change: c.1878_1879dup on transcript NM_000821.7 (MANE Select); coding-DNA positions 1878 to 1879, 2 bases duplicated (GA; older notation c.1878_1879dupGA).
Protein change: p.Asn627fs; shifts the reading frame from asparagine 627.
Molecular consequence: frameshift variant.
Genome position (GRCh38, 1-based): chr2:85,550,934-85,550,935, TC duplicated on the plus strand (GA on the coding strand, the reverse complement: GGCX is on the minus strand); duplicating any 2 consecutive bases within chr2:85,550,934-85,550,937 gives the same sequence; the c. name uses the placement nearest the transcript's 3' end. VCF-style (leftmost placement, unchanged base first): chr2-85550933-T-TTC. GRCh37 (hg19) VCF-style: chr2-85778056-T-TTC.
Other names: c.1707_1708dup, p.Asn570fs (NM_001142269.4); short protein forms N570fs, N627fs.
Identifiers: ClinVar variation 2049984 (VCV002049984.4), dbSNP rs2529667119, ClinGen allele CA2580611346.